The following is an entry in ClinVar:

NM_139318.5(KCNH5):c.1927C>G (p.Arg643Gly)

Gene: KCNH5 (potassium voltage-gated channel subfamily H member 5; minus strand). Cytogenetic location: 14q23.2.
Variant type: single nucleotide variant.
Coding change: c.1927C>G on transcript NM_139318.5 (MANE Select); coding-DNA position 1927, C replaced by G.
Protein change: p.Arg643Gly; replaces arginine 643 with glycine.
Molecular consequence: missense variant. On other transcripts: intron variant (1).
Genome position (GRCh38, 1-based): chr14:62,779,820, G>C on the plus strand (C>G on the coding strand, the complement: KCNH5 is on the minus strand). VCF-style: chr14-62779820-G-C. GRCh37 (hg19) VCF-style: chr14-63246538-G-C.
Other names: c.1822+22509C>G (NM_172375.3); short protein forms R643G.
Identifiers: ClinVar variation 965550 (VCV000965550.10), dbSNP rs771984476, ClinGen allele CA262384276.

ClinVar aggregate classification (germline): Uncertain significance (1 of 4 stars; one submission).

Conditions:
Early-infantile DEE. Also called: Ohtahara syndrome; Early infantile epileptic encephalopathy with suppression bursts; Early infantile epileptic encephalopathy. Identifiers: Orphanet 1934, MedGen C0393706, MONDO:0800491.

Submission:

Labcorp Genetics (formerly Invitae), Labcorp
Classification: Uncertain significance for Early-infantile DEE. Last evaluated: 2024-04-20. Review status: criteria provided, single submitter. Criteria: Invitae Variant Classification Sherloc (09022015). Collection method: clinical testing. Allele origin: germline.
Comment: This sequence change replaces arginine, which is basic and polar, with glycine, which is neutral and non-polar, at codon 643 of the KCNH5 protein (p.Arg643Gly). This variant is not present in population databases (gnomAD no frequency). This missense change has been observed in individual(s) with clinical features of KCNH5-related conditions (Invitae). ClinVar contains an entry for this variant (Variation ID: 965550). An algorithm developed to predict the effect of missense changes on protein structure and function (PolyPhen-2) suggests that this variant is likely to be disruptive. In summary, the available evidence is currently insufficient to determine the role of this variant in disease. Therefore, it has been classified as a Variant of Uncertain Significance.